The following is an entry in ClinVar:

NM_004329.3(BMPR1A):c.241C>T (p.His81Tyr)

Gene: BMPR1A (bone morphogenetic protein receptor type 1A; plus strand). Cytogenetic location: 10q23.2.
Variant type: single nucleotide variant.
Coding change: c.241C>T on transcript NM_004329.3 (MANE Select); coding-DNA position 241, C replaced by T.
Protein change: p.His81Tyr; replaces histidine 81 with tyrosine.
Molecular consequence: missense variant.
Genome position (GRCh38, 1-based): chr10:86,892,137, C>T. VCF-style: chr10-86892137-C-T. GRCh37 (hg19) VCF-style: chr10-88651894-C-T.
Other names: short protein forms H81Y.
Identifiers: ClinVar variation 460493 (VCV000460493.24), dbSNP rs953797046, ClinGen allele CA211184140.

ClinVar aggregate classification (germline): Uncertain significance. Review status: criteria provided, multiple submitters, no conflicts (2 of 4 stars). 6 submissions from 6 submitters: Uncertain significance (6). Last evaluated 2025-12-23.

Conditions:
Juvenile polyposis syndrome (JPS). Identifiers: Orphanet 2929, MedGen C0345893, MONDO:0017380, OMIM 174900.
Hereditary cancer-predisposing syndrome. Also called: Hereditary neoplastic syndrome; Neoplastic Syndromes, Hereditary; Tumor predisposition; Hereditary Cancer Syndrome. Identifiers: Orphanet 140162, MedGen C0027672, MeSH D009386, MONDO:0015356.

Allele frequency attached by ClinVar (database versions not stated): gnomAD exomes below 0.00001; TOPMed 0.00001.
gnomAD v4.1: 1 of 1,612,448 alleles (0.000062%); highest among the groups gnomAD compares: Non-Finnish European, 0.000085%; no homozygotes.

Submissions (6):

Labcorp Genetics (formerly Invitae), Labcorp
Classification: Uncertain significance for Juvenile polyposis syndrome. Last evaluated: 2025-12-23. Review status: criteria provided, single submitter. Criteria: Invitae Variant Classification Sherloc (09022015). Collection method: clinical testing. Allele origin: germline.
Comment: This sequence change replaces histidine, which is basic and polar, with tyrosine, which is neutral and polar, at codon 81 of the BMPR1A protein (p.His81Tyr). This variant is present in population databases (no rsID available, gnomAD 0.0009%). This variant has not been reported in the literature in individuals affected with BMPR1A-related conditions. ClinVar contains an entry for this variant (Variation ID: 460493). Invitae Evidence Modeling of protein sequence and biophysical properties (such as structural, functional, and spatial information, amino acid conservation, physicochemical variation, residue mobility, and thermodynamic stability) indicates that this missense variant is not expected to disrupt BMPR1A protein function with a negative predictive value of 95%. In summary, the available evidence is currently insufficient to determine the role of this variant in disease. Therefore, it has been classified as a Variant of Uncertain Significance.

Quest Diagnostics Nichols Institute San Juan Capistrano
Classification: Uncertain significance. Last evaluated: 2024-07-31. Review status: criteria provided, single submitter. Criteria: Quest Diagnostics criteria. Collection method: clinical testing. Allele origin: unknown.
Comment: The BMPR1A c.241C>T (p.His81Tyr) variant has not been reported in the published literature. The frequency of this variant in the general population, 0.000004 (1/251262 chromosomes (Genome Aggregation Database)), is uninformative in the assessment of its pathogenicity. Analysis of this variant using bioinformatics tools for the prediction of the effect of amino acid changes on protein structure and function yielded predictions that this variant is benign. Based on the available information, we are unable to determine the clinical significance of this variant.

Ambry Genetics
Classification: Uncertain significance for Hereditary cancer-predisposing syndrome. Last evaluated: 2024-04-19. Review status: criteria provided, single submitter. Criteria: Ambry Variant Classification Scheme 2023. Collection method: clinical testing. Allele origin: germline.
Comment: The p.H81Y variant (also known as c.241C>T), located in coding exon 3 of the BMPR1A gene, results from a C to T substitution at nucleotide position 241. The histidine at codon 81 is replaced by tyrosine, an amino acid with similar properties. This amino acid position is well conserved in available vertebrate species. In addition, the in silico prediction for this alteration is inconclusive. Since supporting evidence is limited at this time, the clinical significance of this alteration remains unclear.

Color Diagnostics, LLC DBA Color Health
Classification: Uncertain significance for Hereditary cancer-predisposing syndrome. Last evaluated: 2024-03-06. Review status: criteria provided, single submitter. Criteria: ACMG Guidelines, 2015. Collection method: clinical testing. Allele origin: germline.
Comment: This missense variant replaces histidine with tyrosine at codon 81 of the BMPR1A protein. Computational prediction suggests that this variant may not impact protein structure and function (internally defined REVEL score threshold <= 0.5, PMID: 27666373). To our knowledge, functional studies have not been reported for this variant. This variant has not been reported in individuals affected with BMPR1A-related disorders in the literature. This variant has been identified in 1/251262 chromosomes in the general population by the Genome Aggregation Database (gnomAD). The available evidence is insufficient to determine the role of this variant in disease conclusively. Therefore, this variant is classified as a Variant of Uncertain Significance.

All of Us Research Program, National Institutes of Health
Classification: Uncertain significance for Juvenile polyposis syndrome. Last evaluated: 2023-11-02. Review status: criteria provided, single submitter. Criteria: ACMG Guidelines, 2015. Collection method: clinical testing. Allele origin: germline. Inheritance: Autosomal dominant inheritance. Observed: 1 variant allele, 1 heterozygote.
Comment: This missense variant replaces histidine with tyrosine at codon 81 of the BMPR1A protein. Computational prediction suggests that this variant may not impact protein structure and function (internally defined REVEL score threshold <= 0.5, PMID: 27666373). To our knowledge, functional studies have not been reported for this variant. This variant has not been reported in individuals affected with BMPR1A-related disorders in the literature. This variant has been identified in 1/251262 chromosomes in the general population by the Genome Aggregation Database (gnomAD). The available evidence is insufficient to determine the role of this variant in disease conclusively. Therefore, this variant is classified as a Variant of Uncertain Significance.

This study involves interpretation of variants in research participants for the purpose of population health screening. Participant phenotype was not available at the time of variant classification. Additional details can be found in publication PMID: 35346344, PMCID: PMC8962531

Women's Health and Genetics/Laboratory Corporation of America, LabCorp
Classification: Uncertain significance. Last evaluated: 2022-08-19. Review status: criteria provided, single submitter. Criteria: LabCorp Variant Classification Summary - May 2015. Collection method: clinical testing. Allele origin: germline.